The following is an entry in ClinVar:

NM_001079872.2(CUL4B):c.904A>G (p.Met302Val)

Gene: CUL4B (cullin 4B; minus strand). Cytogenetic location: Xq24.
Variant type: single nucleotide variant.
Coding change: c.904A>G on transcript NM_001079872.2 (MANE Select); coding-DNA position 904, A replaced by G.
Protein change: p.Met302Val; replaces methionine 302 with valine.
Molecular consequence: missense variant.
Genome position (GRCh38, 1-based): chrX:120,545,460, T>C on the plus strand (A>G on the coding strand, the complement: CUL4B is on the minus strand). VCF-style: chrX-120545460-T-C. GRCh37 (hg19) VCF-style: chrX-119679315-T-C.
Other names: c.919A>G, p.Met307Val (NM_001330624.2); c.370A>G, p.Met124Val (NM_001369145.1); c.958A>G, p.Met320Val (NM_003588.4); short protein forms M124V, M302V, M307V, M320V.
Identifiers: ClinVar variation 2661331 (VCV002661331.26), dbSNP rs904900765, ClinGen allele CA334125458.

ClinVar aggregate classification (germline): Uncertain significance. Review status: criteria provided, multiple submitters, no conflicts (2 of 4 stars). 2 submissions from 2 submitters: Uncertain significance (2). Last evaluated 2025-06-12.

Conditions:
X-linked intellectual disability Cabezas type (MRXSC). Also called: Intellectual developmental disorder, X-linked syndromic, Cabezas type; CABEZAS SYNDROME; MENTAL RETARDATION, X-LINKED, SYNDROMIC 15. Identifiers: Orphanet 85289, Orphanet 85293, MedGen C1845861, MONDO:0010306, OMIM 300354.

Allele frequency attached by ClinVar (database versions not stated): gnomAD exomes 0.00001; gnomAD 0.00002; TOPMed 0.00003.
gnomAD v4.1: 8 of 1,174,657 alleles (0.00068%); highest among the groups gnomAD compares: African/African-American, 0.0018%; no homozygotes.

Submissions (2):

Labcorp Genetics (formerly Invitae), Labcorp
Classification: Uncertain significance for X-linked intellectual disability Cabezas type. Last evaluated: 2025-06-12. Review status: criteria provided, single submitter. Criteria: Invitae Variant Classification Sherloc (09022015). Collection method: clinical testing. Allele origin: germline.
Comment: This sequence change replaces methionine, which is neutral and non-polar, with valine, which is neutral and non-polar, at codon 320 of the CUL4B protein (p.Met320Val). This variant is not present in population databases (gnomAD no frequency). This variant has not been reported in the literature in individuals affected with CUL4B-related conditions. ClinVar contains an entry for this variant (Variation ID: 2661331). Invitae Evidence Modeling of protein sequence and biophysical properties (such as structural, functional, and spatial information, amino acid conservation, physicochemical variation, residue mobility, and thermodynamic stability) has been performed for this missense variant. However, the output from this modeling did not meet the statistical confidence thresholds required to predict the impact of this variant on CUL4B protein function. In summary, the available evidence is currently insufficient to determine the role of this variant in disease. Therefore, it has been classified as a Variant of Uncertain Significance.

CeGaT Center for Human Genetics Tuebingen
Classification: Uncertain significance. Last evaluated: 2023-11-01. Review status: criteria provided, single submitter. Criteria: CeGaT Center For Human Genetics Tuebingen Variant Classification Criteria Version 2. Collection method: clinical testing. Allele origin: germline. Affected: yes. Observed: 2 variant alleles.
Comment: CUL4B: PM2